The following is an entry in ClinVar:

ClinVar aggregate classification (germline): Pathogenic (1 of 4 stars; one submission).

Submission:

GeneDx
Classification: Pathogenic. Last evaluated: 2023-08-10. Review status: criteria provided, single submitter. Criteria: GeneDx Variant Classification Process June 2021. Collection method: clinical testing. Allele origin: germline. Affected: yes.
Comment: Has not been previously published as pathogenic or benign to our knowledge; Not observed at significant frequency in large population cohorts (gnomAD); Frameshift variant predicted to result in protein truncation or nonsense mediated decay in a gene for which loss of function is a known mechanism of disease

NM_001114753.3(ENG):c.1525_1615dup (p.Val539delinsGlyProGlyGlyGlnGlyGlnLeuCysGluProAlaValProLysProArgGlyTer)

Genes: ENG (endoglin; minus strand), LOC102723566 (uncharacterized LOC102723566; plus strand). Cytogenetic location: 9q34.11.
Variant type: Duplication.
Coding change: c.1525_1615dup on transcript NM_001114753.3 (MANE Select); coding-DNA positions 1525 to 1615, 91 bases duplicated.
Protein change: p.Val539delinsGlyProGlyGlyGlnGlyGlnLeuCysGluProAlaValProLysProArgGlyTer.
Molecular consequence: nonsense. On other transcripts: frameshift variant (1).
Genome position (GRCh38, 1-based): chr9:127,818,191-127,818,281, 91 bases duplicated. GRCh37 (hg19): chr9:130,580,473-130,580,563.
Other names: c.1525_1615dupGGCCGGGCGGCCAAGGGCAACTGTGTGAGCCTGCTGTCCCCAAGCCCCGAGGGTGACCCGCGCTTCAGCTTCCTCCTCCACTTCTACACAG (NM_000118.2); c.1522_1612dup, p.Val539Glyfs (NM_000118.4); c.979_1069dup, p.Val357delinsGlyProGlyGlyGlnGlyGlnLeuCysGluProAlaValProLysProArgGlyTer (NM_001278138.2); c.1525_1615dup (NM_000118.2).
Identifiers: ClinVar variation 451297 (VCV000451297.6), dbSNP rs1554809244, ClinGen allele CA658656041.